The following is an entry in ClinVar:

NM_001037333.3(CYFIP2):c.362A>G (p.Lys121Arg)

Gene: CYFIP2 (cytoplasmic FMR1 interacting protein 2; plus strand). Cytogenetic location: 5q33.3.
Variant type: single nucleotide variant.
Coding change: c.362A>G on transcript NM_001037333.3 (MANE Select); coding-DNA position 362, A replaced by G.
Protein change: p.Lys121Arg; replaces lysine 121 with arginine.
Molecular consequence: missense variant.
Genome position (GRCh38, 1-based): chr5:157,296,749, A>G. VCF-style: chr5-157296749-A-G. GRCh37 (hg19) VCF-style: chr5-156723757-A-G.
Other names: c.284A>G, p.Lys95Arg (NM_001291721.2); c.362A>G, p.Lys121Arg (NM_001291722.2, NM_014376.4); short protein forms K121R, K95R.
Identifiers: ClinVar variation 2571994 (VCV002571994.1), dbSNP rs2532288529, ClinGen allele CA361966022.

ClinVar aggregate classification (germline): Uncertain significance (1 of 4 stars; one submission).

Submission:

GeneDx
Classification: Uncertain significance. Last evaluated: 2023-01-10. Review status: criteria provided, single submitter. Criteria: GeneDx Variant Classification Process June 2021. Collection method: clinical testing. Allele origin: germline. Affected: yes.
Comment: Not observed at significant frequency in large population cohorts (gnomAD); In silico analysis supports that this missense variant has a deleterious effect on protein structure/function; Has not been previously published as pathogenic or benign to our knowledge